The following is an entry in ClinVar:

NM_003922.4(HERC1):c.10027G>A (p.Ala3343Thr)

Gene: HERC1 (HECT and RLD domain containing E3 ubiquitin protein ligase family member 1; minus strand). Cytogenetic location: 15q22.31.
Variant type: single nucleotide variant.
Coding change: c.10027G>A on transcript NM_003922.4 (MANE Select); coding-DNA position 10027, G replaced by A.
Protein change: p.Ala3343Thr; replaces alanine 3343 with threonine.
Molecular consequence: missense variant.
Genome position (GRCh38, 1-based): chr15:63,655,799, C>T on the plus strand (G>A on the coding strand, the complement: HERC1 is on the minus strand). VCF-style: chr15-63655799-C-T. GRCh37 (hg19) VCF-style: chr15-63947998-C-T.
Other names: short protein forms A3343T.
Identifiers: ClinVar variation 5001488 (VCV005001488.1).

ClinVar aggregate classification (germline): Uncertain significance (1 of 4 stars; one submission).

Conditions:
HERC1-related disorder. Also called: HERC1-related condition.

Submission:

PreventionGenetics, part of Exact Sciences
Classification: Uncertain significance for HERC1-related condition. Last evaluated: 2024-10-28. Review status: criteria provided, single submitter. Criteria: ACMG Guidelines, 2015. Collection method: clinical testing. Allele origin: germline.
Comment: The HERC1 c.10027G>A variant is predicted to result in the amino acid substitution p.Ala3343Thr. To our knowledge, this variant has not been reported in the literature or in a large population database (gnomAD), indicating this variant is rare. At this time, the clinical significance of this variant is uncertain due to the absence of conclusive functional and genetic evidence.